The following is an entry in ClinVar:

ClinVar aggregate classification (germline): Uncertain significance (1 of 4 stars; one submission).

Submission:

Labcorp Genetics (formerly Invitae), Labcorp
Classification: Uncertain significance. Last evaluated: 2023-10-22. Review status: criteria provided, single submitter. Criteria: Invitae Variant Classification Sherloc (09022015). Collection method: clinical testing. Allele origin: germline.
Comment: This sequence change replaces threonine, which is neutral and polar, with isoleucine, which is neutral and non-polar, at codon 656 of the SMARCA2 protein (p.Thr656Ile). This variant is not present in population databases (gnomAD no frequency). This variant has not been reported in the literature in individuals affected with SMARCA2-related conditions. Advanced modeling of protein sequence and biophysical properties (such as structural, functional, and spatial information, amino acid conservation, physicochemical variation, residue mobility, and thermodynamic stability) performed at Invitae indicates that this missense variant is not expected to disrupt SMARCA2 protein function. In summary, the available evidence is currently insufficient to determine the role of this variant in disease. Therefore, it has been classified as a Variant of Uncertain Significance.

NM_003070.5(SMARCA2):c.1967C>T (p.Thr656Ile)

Gene: SMARCA2 (SWI/SNF related BAF chromatin remodeling complex subunit ATPase 2; plus strand). Cytogenetic location: 9p24.3.
Variant type: single nucleotide variant.
Coding change: c.1967C>T on transcript NM_003070.5 (MANE Select); coding-DNA position 1967, C replaced by T.
Protein change: p.Thr656Ile; replaces threonine 656 with isoleucine.
Molecular consequence: missense variant.
Genome position (GRCh38, 1-based): chr9:2,076,260, C>T. VCF-style: chr9-2076260-C-T. GRCh37 (hg19) VCF-style: chr9-2076260-C-T.
Other names: c.1967C>T, p.Thr656Ile (NM_001289396.2, NM_001289397.2, NM_139045.4); short protein forms T656I.
Identifiers: ClinVar variation 2780876 (VCV002780876.3), dbSNP rs2537317558, ClinGen allele CA372783454.